The following is an entry in ClinVar:

ClinVar aggregate classification (germline): Uncertain significance (1 of 4 stars; one submission).

Conditions:
Dilated cardiomyopathy 1O (CMD1O). Also called: CARDIOMYOPATHY, DILATED, WITH VENTRICULAR TACHYCARDIA. Identifiers: Orphanet 154, MedGen C1837839, MONDO:0012062, OMIM 608569.

Submission:

Labcorp Genetics (formerly Invitae), Labcorp
Classification: Uncertain significance for Dilated cardiomyopathy 1O. Last evaluated: 2025-12-21. Review status: criteria provided, single submitter. Criteria: Invitae Variant Classification Sherloc (09022015). Collection method: clinical testing. Allele origin: germline.
Comment: This sequence change replaces aspartic acid, which is acidic and polar, with glutamic acid, which is acidic and polar, at codon 612 of the ABCC9 protein (p.Asp612Glu). This variant is not present in population databases (gnomAD no frequency). This variant has not been reported in the literature in individuals affected with ABCC9-related conditions. Invitae Evidence Modeling of protein sequence and biophysical properties (such as structural, functional, and spatial information, amino acid conservation, physicochemical variation, residue mobility, and thermodynamic stability) indicates that this missense variant is not expected to disrupt ABCC9 protein function with a negative predictive value of 95%. In summary, the available evidence is currently insufficient to determine the role of this variant in disease. Therefore, it has been classified as a Variant of Uncertain Significance.

NM_020297.4(ABCC9):c.1836T>G (p.Asp612Glu)

Gene: ABCC9 (ATP binding cassette subfamily C member 9; minus strand). Cytogenetic location: 12p12.1.
Variant type: single nucleotide variant.
Coding change: c.1836T>G on transcript NM_020297.4 (MANE Select); coding-DNA position 1836, T replaced by G.
Protein change: p.Asp612Glu; replaces aspartic acid 612 with glutamic acid.
Molecular consequence: missense variant.
Genome position (GRCh38, 1-based): chr12:21,887,901, A>C on the plus strand (T>G on the coding strand, the complement: ABCC9 is on the minus strand). VCF-style: chr12-21887901-A-C. GRCh37 (hg19) VCF-style: chr12-22040835-A-C.
Other names: c.1836T>G, p.Asp612Glu (NM_001377273.1, NM_005691.4); c.972T>G, p.Asp324Glu (NM_001377274.1); short protein forms D612E, D324E.
Identifiers: ClinVar variation 4745811 (VCV004745811.1).
Genomic context (GRCh38, chr12:21,887,901, plus strand): 5'-CTTACAGGACTCAAAAGGAAGCGAACTTTCACCAGTTCGCCAACTGTCGTCACCAATCTC[A>C]TCACTCAAGAGAAACTCATTCAGCTTTTGAACACTGCAAAAAACAATAAACACAGAATAA-3'
Protein context (NP_064693.2, residues 602-622): VQKLNEFLLS[Asp612Glu]EIGDDSWRTG